The following is an entry in ClinVar:

NM_025009.5(CEP135):c.875G>A (p.Arg292Gln)

Gene: CEP135 (centrosomal protein 135; plus strand). Cytogenetic location: 4q12.
Variant type: single nucleotide variant.
Coding change: c.875G>A on transcript NM_025009.5 (MANE Select); coding-DNA position 875, G replaced by A.
Protein change: p.Arg292Gln; replaces arginine 292 with glutamine.
Molecular consequence: missense variant.
Genome position (GRCh38, 1-based): chr4:55,965,690, G>A. VCF-style: chr4-55965690-G-A. GRCh37 (hg19) VCF-style: chr4-56831856-G-A.
Other names: c.875G>A (NM_025009.3); short protein forms R292Q.
Identifiers: ClinVar variation 1398339 (VCV001398339.8), dbSNP rs373846064, ClinGen allele CA2927700.

ClinVar aggregate classification (germline): Conflicting classifications of pathogenicity. Review status: criteria provided, conflicting classifications (1 of 4 stars). 2 submissions from 2 submitters: Uncertain significance (1); Likely benign (1). Last evaluated 2024-11-05.

Conditions:
Inborn genetic diseases. Identifiers: MedGen C0950123, MeSH D030342.

Allele frequency attached by ClinVar (database versions not stated): gnomAD 0.00006; TOPMed 0.00006; ESP Exome Variant Server 0.00015.
gnomAD v4.1: 72 of 1,613,578 alleles (0.0045%); highest among the groups gnomAD compares: Middle Eastern, 0.049%; no homozygotes.

Submissions (2):

Labcorp Genetics (formerly Invitae), Labcorp
Classification: Uncertain significance. Last evaluated: 2024-11-05. Review status: criteria provided, single submitter. Criteria: Invitae Variant Classification Sherloc (09022015). Collection method: clinical testing. Allele origin: germline.
Comment: This sequence change replaces arginine, which is basic and polar, with glutamine, which is neutral and polar, at codon 292 of the CEP135 protein (p.Arg292Gln). This variant is present in population databases (rs373846064, gnomAD 0.009%). This variant has not been reported in the literature in individuals affected with CEP135-related conditions. ClinVar contains an entry for this variant (Variation ID: 1398339). An algorithm developed to predict the effect of missense changes on protein structure and function outputs the following: PolyPhen-2: "Benign". The glutamine amino acid residue is found in multiple mammalian species, which suggests that this missense change does not adversely affect protein function. In summary, the available evidence is currently insufficient to determine the role of this variant in disease. Therefore, it has been classified as a Variant of Uncertain Significance.

Ambry Genetics
Classification: Likely benign for Inborn genetic diseases. Last evaluated: 2022-02-24. Review status: criteria provided, single submitter. Criteria: Ambry Variant Classification Scheme 2023. Collection method: clinical testing. Allele origin: germline.